The following is an entry in ClinVar:

ClinVar aggregate classification (germline): Conflicting classifications of pathogenicity. Review status: criteria provided, conflicting classifications (1 of 4 stars). 6 submissions from 6 submitters: Uncertain significance (1); Benign (1); Likely benign (2). 2 of the submissions do not count toward it. Last evaluated 2026-02-02.

Conditions:
Leber congenital amaurosis 4 (LCA4). Identifiers: MedGen C1858386, MONDO:0011458, OMIM 604393.

Allele frequency attached by ClinVar (database versions not stated): ESP Exome Variant Server 0.00331; gnomAD 0.00346 and 0.00357; TOPMed 0.00372; 1000 Genomes Project 0.00539; 1000 Genomes Project 30x 0.00578.
gnomAD v4.1: 1,171 of 1,614,120 alleles (0.073%); highest among the groups gnomAD compares: African/African-American, 1.2%; 10 homozygotes.

Submissions (6):

Labcorp Genetics (formerly Invitae), Labcorp
Classification: Benign for Leber congenital amaurosis 4. Last evaluated: 2026-02-02. Review status: criteria provided, single submitter. Criteria: Invitae Variant Classification Sherloc (09022015). Collection method: clinical testing. Allele origin: germline.

Blueprint Genetics
Classification: Likely benign. Last evaluated: 2024-11-11. Review status: criteria provided, single submitter. Criteria: ACMG Guidelines, 2015. Collection method: clinical testing. Allele origin: germline.

Women's Health and Genetics/Laboratory Corporation of America, LabCorp
Classification: Likely benign. Last evaluated: 2022-03-18. Review status: criteria provided, single submitter. Criteria: LabCorp Variant Classification Summary - May 2015. Collection method: clinical testing. Allele origin: germline.
Comment: Variant summary: AIPL1 c.140C>G (p.Thr47Arg) results in a non-conservative amino acid change in the encoded protein sequence. Four of five in-silico tools predict a damaging effect of the variant on protein function. The variant allele was found at a frequency of 0.00092 in 251278 control chromosomes, predominantly at a frequency of 0.01 within the African or African-American subpopulation in the gnomAD database, including 2 homozygotes. The observed variant frequency within African or African-American control individuals in the gnomAD database is approximately 8.9 fold of the estimated maximal expected allele frequency for a pathogenic variant in AIPL1 causing Leber Congenital Amaurosis phenotype (0.0011), strongly suggesting that the variant is a benign polymorphism found primarily in populations of African or African-American origin. c.140C>G has been reported in the literature as a VUS identified in settings of clinical exome sequencing for Inherited Retinal Dystrophies (IRD) (example, Florin Iancu_2021). These report(s) do not provide unequivocal conclusions about a penetrant association of the variant with Leber Congenital Amaurosis. To our knowledge, no experimental evidence demonstrating an impact on protein function has been reported. Two clinical diagnostic laboratories have submitted clinical-significance assessments for this variant to ClinVar after 2014 without evidence for independent evaluation. One laboratory classified the variant as benign and one laboratory classified the variant as uncertain significance. Based on the evidence outlined above, the variant was classified as likely benign.

CeGaT Center for Human Genetics Tuebingen
Classification: Uncertain significance. Last evaluated: 2016-11-30. Review status: criteria provided, single submitter. Criteria: Praxis fuer Humangenetik Tuebingen - Variant Classification Criteria. Collection method: clinical testing. Allele origin: germline. Affected: yes. Observed: 1 variant allele.

Clinical Genetics DNA and cytogenetics Diagnostics Lab, Erasmus MC, Erasmus Medical Center
Classification: Likely benign. Review status: no assertion criteria provided. Collection method: clinical testing. Allele origin: germline. Affected: yes. Study: VKGL Data-share Consensus. Not counted in ClinVar's aggregate classification.

Clinical Genetics, Academic Medical Center
Classification: Benign. Review status: no assertion criteria provided. Collection method: clinical testing. Allele origin: germline. Affected: yes. Study: VKGL Data-share Consensus. Not counted in ClinVar's aggregate classification.

Literature cited by the submitters: PubMed 33623043 (cited by Women's Health and Genetics/Laboratory Corporation of America, LabCorp).

NM_014336.5(AIPL1):c.140C>G (p.Thr47Arg)

Gene: AIPL1 (AIP like 1 HSP90 co-chaperone; minus strand). Cytogenetic location: 17p13.2.
Variant type: single nucleotide variant.
Coding change: c.140C>G on transcript NM_014336.5 (MANE Select); coding-DNA position 140, C replaced by G.
Protein change: p.Thr47Arg; replaces threonine 47 with arginine.
Molecular consequence: missense variant. On other transcripts: intron variant (2).
Genome position (GRCh38, 1-based): chr17:6,434,055, G>C on the plus strand (C>G on the coding strand, the complement: AIPL1 is on the minus strand). VCF-style: chr17-6434055-G-C. GRCh37 (hg19) VCF-style: chr17-6337375-G-C.
Other names: c.140C>G, p.Thr47Arg (NM_001033054.3, NM_001285401.3, NM_001285403.4); c.104C>G, p.Thr35Arg (NM_001285399.3); c.23C>G, p.Thr8Arg (NM_001285402.2); c.96+954C>G (NM_001033055.3); c.97-23C>G (NM_001285400.3); short protein forms T47R, T8R, T35R.
Identifiers: ClinVar variation 425121 (VCV000425121.18), dbSNP rs150656720, ClinGen allele CA8328611.